The following is an entry in ClinVar:

NM_018685.5(ANLN):c.1017C>T (p.Ser339=)

Gene: ANLN (anillin, actin binding protein; plus strand). Cytogenetic location: 7p14.2.
Variant type: single nucleotide variant.
Coding change: c.1017C>T on transcript NM_018685.5 (MANE Select); coding-DNA position 1017, C replaced by T.
Protein change: p.Ser339=; no amino-acid change (serine 339 retained).
Molecular consequence: synonymous variant.
Genome position (GRCh38, 1-based): chr7:36,407,877, C>T. VCF-style: chr7-36407877-C-T. GRCh37 (hg19) VCF-style: chr7-36447486-C-T.
Other names: c.1017C>T, p.Ser339= (NM_001284301.3, NM_001284302.3).
Identifiers: ClinVar variation 744018 (VCV000744018.7), dbSNP rs532120296, ClinGen allele CA4219482.

ClinVar aggregate classification (germline): Likely benign. Review status: criteria provided, single submitter (1 of 4 stars). 2 submissions from 2 submitters: Likely benign (1). 1 of the submissions does not count toward it. Last evaluated 2024-02-16.

Conditions:
ANLN-related disorder. Also called: ANLN-related condition.

Allele frequency attached by ClinVar (database versions not stated): ExAC 0.00001; gnomAD exomes 0.00006 and 0.00002; TOPMed 0.00001; gnomAD 0.00006.
gnomAD v4.1: 99 of 1,613,712 alleles (0.0061%); highest among the groups gnomAD compares: Non-Finnish European, 0.0081%; no homozygotes.

Submissions (2):

Labcorp Genetics (formerly Invitae), Labcorp
Classification: Likely benign. Last evaluated: 2024-02-16. Review status: criteria provided, single submitter. Criteria: Invitae Variant Classification Sherloc (09022015). Collection method: clinical testing. Allele origin: germline.

PreventionGenetics, part of Exact Sciences
Classification: Likely benign for ANLN-related condition. Last evaluated: 2020-10-21. Review status: no assertion criteria provided. Collection method: clinical testing. Allele origin: germline. Not counted in ClinVar's aggregate classification.
Comment: This variant is classified as likely benign based on ACMG/AMP sequence variant interpretation guidelines (Richards et al. 2015 PMID: 25741868, with internal and published modifications).